The following is an entry in ClinVar:

NM_017934.7(PHIP):c.99+6G>C

Gene: PHIP (PHIP subunit of CUL4-Ring ligase complex; minus strand). Cytogenetic location: 6q14.1.
Variant type: single nucleotide variant.
Coding change: c.99+6G>C on transcript NM_017934.7 (MANE Select); 6 bases into the intron after coding-DNA position 99, G replaced by C.
Molecular consequence: intron variant.
Genome position (GRCh38, 1-based): chr6:79,077,849, C>G on the plus strand (G>C on the coding strand, the complement: PHIP is on the minus strand). VCF-style: chr6-79077849-C-G. GRCh37 (hg19) VCF-style: chr6-79787566-C-G.
Identifiers: ClinVar variation 2851389 (VCV002851389.3), dbSNP rs1469569497, ClinGen allele CA568363975.

ClinVar aggregate classification (germline): Uncertain significance (1 of 4 stars; one submission).

Allele frequency attached by ClinVar (database versions not stated): gnomAD 0.00001.

Submission:

Labcorp Genetics (formerly Invitae), Labcorp
Classification: Uncertain significance. Last evaluated: 2023-04-03. Review status: criteria provided, single submitter. Criteria: Invitae Variant Classification Sherloc (09022015). Collection method: clinical testing. Allele origin: germline.
Comment: In summary, the available evidence is currently insufficient to determine the role of this variant in disease. Therefore, it has been classified as a Variant of Uncertain Significance. Variants that disrupt the consensus splice site are a relatively common cause of aberrant splicing (PMID: 17576681, 9536098). Algorithms developed to predict the effect of sequence changes on RNA splicing suggest that this variant is not likely to affect RNA splicing. This variant has not been reported in the literature in individuals affected with PHIP-related conditions. The frequency data for this variant in the population databases is considered unreliable, as metrics indicate poor data quality at this position in the gnomAD database. This sequence change falls in intron 2 of the PHIP gene. It does not directly change the encoded amino acid sequence of the PHIP protein. It affects a nucleotide within the consensus splice site.

Literature cited by the submitters: PubMed 17576681; PubMed 9536098.